The following is an entry in ClinVar:

ClinVar aggregate classification (germline): Pathogenic (1 of 4 stars; one submission).

Conditions:
Cohen syndrome (COH1). Also called: PEPPER SYNDROME; Cutis verticis gyrata, retinitis pigmentosa, and sensorineural deafness. Identifiers: Orphanet 193, MedGen C0265223, MONDO:0008999, OMIM 216550.

Submission:

Labcorp Genetics (formerly Invitae), Labcorp
Classification: Pathogenic for Cohen syndrome. Last evaluated: 2023-11-28. Review status: criteria provided, single submitter. Criteria: Invitae Variant Classification Sherloc (09022015). Collection method: clinical testing. Allele origin: germline.
Comment: This sequence change creates a premature translational stop signal (p.Ser2422Phefs*9) in the VPS13B gene. It is expected to result in an absent or disrupted protein product. Loss-of-function variants in VPS13B are known to be pathogenic (PMID: 15141358, 16648375, 20461111). This variant is not present in population databases (gnomAD no frequency). This variant has not been reported in the literature in individuals affected with VPS13B-related conditions. For these reasons, this variant has been classified as Pathogenic.

Literature cited by the submitters: PubMed 15141358; PubMed 16648375; PubMed 20461111.

NM_152564.5(VPS13B):c.7190del (p.Ser2397fs)

Gene: VPS13B (vacuolar protein sorting 13 homolog B; plus strand). Cytogenetic location: 8q22.2.
Variant type: Deletion.
Coding change: c.7190del on transcript NM_152564.5 (MANE Select); coding-DNA position 7190, one base deleted (C; older notation c.7190delC).
Protein change: p.Ser2397fs; shifts the reading frame from serine 2397.
Molecular consequence: frameshift variant.
Genome position (GRCh38, 1-based): chr8:99,766,913, C deleted. VCF-style (leftmost placement, unchanged base first): chr8-99766912-TC-T. GRCh37 (hg19) VCF-style: chr8-100779140-TC-T.
Other names: c.7265del, p.Ser2422fs (NM_017890.5); short protein forms S2397fs, S2422fs.
Identifiers: ClinVar variation 2699430 (VCV002699430.3), dbSNP rs2491774628, ClinGen allele CA2697550070.